The following is an entry in ClinVar:

NM_004281.4(BAG3):c.1344C>G (p.Asp448Glu)

Gene: BAG3 (BAG cochaperone 3; plus strand). Cytogenetic location: 10q26.11.
Variant type: single nucleotide variant.
Coding change: c.1344C>G on transcript NM_004281.4 (MANE Select); coding-DNA position 1344, C replaced by G.
Protein change: p.Asp448Glu; replaces aspartic acid 448 with glutamic acid.
Molecular consequence: missense variant.
Genome position (GRCh38, 1-based): chr10:119,676,898, C>G. VCF-style: chr10-119676898-C-G. GRCh37 (hg19) VCF-style: chr10-121436410-C-G.
Other names: short protein forms D448E.
Identifiers: ClinVar variation 3817156 (VCV003817156.1).

ClinVar aggregate classification (germline): Uncertain significance (1 of 4 stars; one submission).

Conditions:
Cardiovascular phenotype. Identifiers: MedGen CN230736.

Submission:

Ambry Genetics
Classification: Uncertain significance for Cardiovascular phenotype. Last evaluated: 2025-02-06. Review status: criteria provided, single submitter. Criteria: Ambry Variant Classification Scheme 2023. Collection method: clinical testing. Allele origin: germline.
Comment: The p.D448E variant (also known as c.1344C>G), located in coding exon 4 of the BAG3 gene, results from a C to G substitution at nucleotide position 1344. The aspartic acid at codon 448 is replaced by glutamic acid, an amino acid with highly similar properties. This amino acid position is conserved. In addition, this alteration is predicted to be tolerated by in silico analysis. Based on the available evidence, the clinical significance of this variant remains unclear.